The following is an entry in ClinVar:

NM_005431.2(XRCC2):c.658G>A (p.Asp220Asn)

Gene: XRCC2 (X-ray repair cross complementing 2; minus strand). Cytogenetic location: 7q36.1.
Variant type: single nucleotide variant.
Coding change: c.658G>A on transcript NM_005431.2 (MANE Select); coding-DNA position 658, G replaced by A.
Protein change: p.Asp220Asn; replaces aspartic acid 220 with asparagine.
Molecular consequence: missense variant.
Genome position (GRCh38, 1-based): chr7:152,648,827, C>T on the plus strand (G>A on the coding strand, the complement: XRCC2 is on the minus strand). VCF-style: chr7-152648827-C-T. GRCh37 (hg19) VCF-style: chr7-152345912-C-T.
Other names: short protein forms D220N.
Identifiers: ClinVar variation 1754348 (VCV001754348.2), dbSNP rs1356498203, ClinGen allele CA370198232.

ClinVar aggregate classification (germline): Uncertain significance (1 of 4 stars; one submission).

Conditions:
Hereditary cancer-predisposing syndrome. Also called: Neoplastic Syndromes, Hereditary; Tumor predisposition; Hereditary Cancer Syndrome; Hereditary neoplastic syndrome. Identifiers: Orphanet 140162, MedGen C0027672, MeSH D009386, MONDO:0015356.

Submission:

Ambry Genetics
Classification: Uncertain significance for Hereditary cancer-predisposing syndrome. Last evaluated: 2021-07-26. Review status: criteria provided, single submitter. Criteria: Ambry Variant Classification Scheme 2023. Collection method: clinical testing. Allele origin: germline.
Comment: The p.D220N variant (also known as c.658G>A), located in coding exon 3 of the XRCC2 gene, results from a G to A substitution at nucleotide position 658. The aspartic acid at codon 220 is replaced by asparagine, an amino acid with highly similar properties. This amino acid position is conserved. In addition, this alteration is predicted to be tolerated by in silico analysis. Since supporting evidence is limited at this time, the clinical significance of this alteration remains unclear.